The following is an entry in ClinVar:

NM_053025.4(MYLK):c.1854C>A (p.Ser618Arg)

Gene: MYLK (myosin light chain kinase; minus strand). Cytogenetic location: 3q21.1.
Variant type: single nucleotide variant.
Coding change: c.1854C>A on transcript NM_053025.4 (MANE Select); coding-DNA position 1854, C replaced by A.
Protein change: p.Ser618Arg; replaces serine 618 with arginine.
Molecular consequence: missense variant.
Genome position (GRCh38, 1-based): chr3:123,709,844, G>T on the plus strand (C>A on the coding strand, the complement: MYLK is on the minus strand). VCF-style: chr3-123709844-G-T. GRCh37 (hg19) VCF-style: chr3-123428691-G-T.
Other names: c.1326C>A, p.Ser442Arg (NM_001321309.2); c.1647C>A, p.Ser549Arg (NM_053026.4, NM_053028.4); c.1854C>A, p.Ser618Arg (NM_053027.4); short protein forms S442R, S549R, S618R.
Identifiers: ClinVar variation 3631269 (VCV003631269.2).

ClinVar aggregate classification (germline): Uncertain significance (1 of 4 stars; one submission).

Conditions:
Aortic aneurysm, familial thoracic 7 (AAT7). Also called: AORTIC DISSECTION, FAMILIAL, WITH OR WITHOUT AORTIC ANEURYSM. Identifiers: MedGen C3151077, MONDO:0013418, OMIM 613780.

Submission:

Labcorp Genetics (formerly Invitae), Labcorp
Classification: Uncertain significance for Aortic aneurysm, familial thoracic 7. Last evaluated: 2024-06-04. Review status: criteria provided, single submitter. Criteria: Invitae Variant Classification Sherloc (09022015). Collection method: clinical testing. Allele origin: germline.
Comment: This sequence change replaces serine, which is neutral and polar, with arginine, which is basic and polar, at codon 618 of the MYLK protein (p.Ser618Arg). This variant is not present in population databases (gnomAD no frequency). This variant has not been reported in the literature in individuals affected with MYLK-related conditions. Advanced modeling of protein sequence and biophysical properties (such as structural, functional, and spatial information, amino acid conservation, physicochemical variation, residue mobility, and thermodynamic stability) performed at Invitae indicates that this missense variant is not expected to disrupt MYLK protein function with a negative predictive value of 80%. In summary, the available evidence is currently insufficient to determine the role of this variant in disease. Therefore, it has been classified as a Variant of Uncertain Significance.